The following is an entry in ClinVar:

ClinVar aggregate classification (germline): Conflicting classifications of pathogenicity. Review status: criteria provided, conflicting classifications (1 of 4 stars). 2 submissions from 2 submitters: Uncertain significance (1); Likely benign (1). Last evaluated 2024-02-19.

Conditions:
Primary ciliary dyskinesia. Also called: Ciliary dyskinesia. Identifiers: Orphanet 244, MedGen C0008780, MONDO:0016575, HP:0012265.

Allele frequency attached by ClinVar (database versions not stated): gnomAD 0.00001; gnomAD exomes 0.00001; TOPMed 0.00002.
gnomAD v4.1: 14 of 1,613,894 alleles (0.00087%); highest among the groups gnomAD compares: East Asian, 0.0022%; no homozygotes.

Submissions (2):

Labcorp Genetics (formerly Invitae), Labcorp
Classification: Likely benign for Primary ciliary dyskinesia. Last evaluated: 2024-02-19. Review status: criteria provided, single submitter. Criteria: Invitae Variant Classification Sherloc (09022015). Collection method: clinical testing. Allele origin: germline.

Ambry Genetics
Classification: Uncertain significance for Primary ciliary dyskinesia. Last evaluated: 2020-04-07. Review status: criteria provided, single submitter. Criteria: Ambry Variant Classification Scheme 2023. Collection method: clinical testing. Allele origin: germline.
Comment: The p.M2935V variant (also known as c.8803A>G), located in coding exon 52 of the DNAH5 gene, results from an A to G substitution at nucleotide position 8803. The methionine at codon 2935 is replaced by valine, an amino acid with highly similar properties. This amino acid position is well conserved in available vertebrate species. In addition, the in silico prediction for this alteration is inconclusive. Since supporting evidence is limited at this time, the clinical significance of this alteration remains unclear.

NM_001369.3(DNAH5):c.8803A>G (p.Met2935Val)

Gene: DNAH5 (dynein axonemal heavy chain 5; minus strand). Cytogenetic location: 5p15.2.
Variant type: single nucleotide variant.
Coding change: c.8803A>G on transcript NM_001369.3 (MANE Select); coding-DNA position 8803, A replaced by G.
Protein change: p.Met2935Val; replaces methionine 2935 with valine.
Molecular consequence: missense variant.
Genome position (GRCh38, 1-based): chr5:13,786,196, T>C on the plus strand (A>G on the coding strand, the complement: DNAH5 is on the minus strand). VCF-style: chr5-13786196-T-C. GRCh37 (hg19) VCF-style: chr5-13786305-T-C.
Other names: short protein forms M2935V.
Identifiers: ClinVar variation 1764738 (VCV001764738.7), dbSNP rs929329118, ClinGen allele CA113954219.